The following is an entry in ClinVar:

ClinVar aggregate classification (germline): Uncertain significance (1 of 4 stars; one submission).

Conditions:
Multiple congenital exostosis (EXT). Also called: Hereditary multiple exostoses; Hereditary multiple exostosis; Multiple exostoses; MULTIPLE CARTILAGINOUS EXOSTOSES; Multiple osteochondromas; Hereditary multiple osteochondromas. Identifiers: Orphanet 321, MedGen C0015306, MONDO:0005508, HP:0002762.

Allele frequency attached by ClinVar (database versions not stated): gnomAD exomes below 0.00001.
gnomAD v4.1: 1 of 1,611,526 alleles (0.000062%); highest among the groups gnomAD compares: Non-Finnish European, 0.000085%; no homozygotes.

Submission:

Labcorp Genetics (formerly Invitae), Labcorp
Classification: Uncertain significance for Multiple congenital exostosis. Last evaluated: 2023-05-22. Review status: criteria provided, single submitter. Criteria: Invitae Variant Classification Sherloc (09022015). Collection method: clinical testing. Allele origin: germline.
Comment: In summary, the available evidence is currently insufficient to determine the role of this variant in disease. Therefore, it has been classified as a Variant of Uncertain Significance. Variants that disrupt the consensus splice site are a relatively common cause of aberrant splicing (PMID: 17576681, 9536098). Algorithms developed to predict the effect of sequence changes on RNA splicing suggest that this variant is not likely to affect RNA splicing. This variant has not been reported in the literature in individuals affected with EXT1-related conditions. This variant is not present in population databases (gnomAD no frequency). This sequence change falls in intron 3 of the EXT1 gene. It does not directly change the encoded amino acid sequence of the EXT1 protein. It affects a nucleotide within the consensus splice site.

Literature cited by the submitters: PubMed 17576681; PubMed 9536098.

NM_000127.3(EXT1):c.1164+3A>G

Gene: EXT1 (exostosin glycosyltransferase 1; minus strand). Cytogenetic location: 8q24.11.
Variant type: single nucleotide variant.
Coding change: c.1164+3A>G on transcript NM_000127.3 (MANE Select); 3 bases into the intron after coding-DNA position 1164, A replaced by G.
Molecular consequence: intron variant.
Genome position (GRCh38, 1-based): chr8:117,835,441, T>C on the plus strand (A>G on the coding strand, the complement: EXT1 is on the minus strand). VCF-style: chr8-117835441-T-C. GRCh37 (hg19) VCF-style: chr8-118847680-T-C.
Identifiers: ClinVar variation 2788138 (VCV002788138.3), dbSNP rs2488132712, ClinGen allele CA2688346678.